The following is an entry in ClinVar:

ClinVar aggregate classification (germline): Uncertain significance. Review status: criteria provided, multiple submitters, no conflicts (2 of 4 stars). 2 submissions from 2 submitters: Uncertain significance (2). Last evaluated 2024-07-27.

Submissions (3):

Ambry Genetics
Classification: Uncertain significance. Last evaluated: 2024-07-27. Review status: criteria provided, single submitter. Criteria: Ambry Variant Classification Scheme 2023. Collection method: clinical testing. Allele origin: germline.

Labcorp Genetics (formerly Invitae), Labcorp
Classification: Uncertain significance. Last evaluated: 2024-05-06. Review status: criteria provided, single submitter. Criteria: Invitae Variant Classification Sherloc (09022015). Collection method: clinical testing. Allele origin: germline.
Comment: This sequence change replaces alanine, which is neutral and non-polar, with valine, which is neutral and non-polar, at codon 544 of the GUF1 protein (p.Ala544Val). This variant is not present in population databases (gnomAD no frequency). This variant has not been reported in the literature in individuals affected with GUF1-related conditions. Advanced modeling of protein sequence and biophysical properties (such as structural, functional, and spatial information, amino acid conservation, physicochemical variation, residue mobility, and thermodynamic stability) performed at Invitae indicates that this missense variant is not expected to disrupt GUF1 protein function with a negative predictive value of 80%. In summary, the available evidence is currently insufficient to determine the role of this variant in disease. Therefore, it has been classified as a Variant of Uncertain Significance.

Dr. Peter K. Rogan Lab, Western University
No classification provided (evidence only). Condition: Gastric cancer. Review status: no classification provided. Collection method: in vitro. Allele origin: not applicable. Functional consequence: retained intron. Not counted in ClinVar's aggregate classification.

NM_021927.3(GUF1):c.1631C>T (p.Ala544Val)

Gene: GUF1 (GTP binding elongation factor GUF1; plus strand). Cytogenetic location: 4p12.
Variant type: single nucleotide variant.
Coding change: c.1631C>T on transcript NM_021927.3 (MANE Select); coding-DNA position 1631, C replaced by T.
Protein change: p.Ala544Val; replaces alanine 544 with valine.
Molecular consequence: missense variant.
Genome position (GRCh38, 1-based): chr4:44,694,429, C>T. VCF-style: chr4-44694429-C-T. GRCh37 (hg19) VCF-style: chr4-44696446-C-T.
Other names: c.659C>T, p.Ala220Val (NM_001345867.2, NM_001345869.2); c.1631C>T, p.Ala544Val (NM_001345868.2); short protein forms A220V, A544V.
Identifiers: ClinVar variation 3523435 (VCV003523435.4).
Genomic context (GRCh38, chr4:44,694,429, plus strand): 5'-TCAGGAAGTGTAATATTTATCACTTGGACTTTTTTCCTTTTAGTTTTGATTACGAAGATG[C>T]AGGCTACCAGACTGCAGAACTTGTAAAAATGGATATTCTACTGAATGGAAATACTGTAGA-3'
Protein context (NP_068746.2, residues 534-554): SGYASFDYED[Ala544Val]GYQTAELVKM